The following is an entry in ClinVar:

NM_000465.4(BARD1):c.722C>T (p.Ser241Phe)

Gene: BARD1 (BRCA1 associated RING domain 1; minus strand). Cytogenetic location: 2q35.
Variant type: single nucleotide variant.
Coding change: c.722C>T on transcript NM_000465.4 (MANE Select); coding-DNA position 722, C replaced by T.
Protein change: p.Ser241Phe; replaces serine 241 with phenylalanine.
Molecular consequence: missense variant. On other transcripts: non-coding transcript variant (2), intron variant (3).
Genome position (GRCh38, 1-based): chr2:214,781,152, G>A on the plus strand (C>T on the coding strand, the complement: BARD1 is on the minus strand). VCF-style: chr2-214781152-G-A. GRCh37 (hg19) VCF-style: chr2-215645876-G-A.
Other names: c.665C>T, p.Ser222Phe (NM_001282543.2); c.158+28260C>T (NM_001282548.2); c.215+15909C>T (NM_001282545.2); c.364+11145C>T (NM_001282549.2); c.722C>T (NM_000465.3); short protein forms S222F, S241F.
Identifiers: ClinVar variation 3260420 (VCV003260420.2).

ClinVar aggregate classification (germline): Uncertain significance. Review status: criteria provided, multiple submitters, no conflicts (2 of 4 stars). 2 submissions from 2 submitters: Uncertain significance (2). Last evaluated 2024-04-17.

Conditions:
Hereditary cancer-predisposing syndrome. Also called: Hereditary Cancer Syndrome; Tumor predisposition; Hereditary neoplastic syndrome; Neoplastic Syndromes, Hereditary. Identifiers: Orphanet 140162, MedGen C0027672, MeSH D009386, MONDO:0015356.

Submissions (2):

Quest Diagnostics Nichols Institute San Juan Capistrano
Classification: Uncertain significance. Last evaluated: 2024-04-17. Review status: criteria provided, single submitter. Criteria: Quest Diagnostics criteria. Collection method: clinical testing. Allele origin: unknown.
Comment: The BARD1 c.722C>T (p.Ser241Phe) variant has not been reported in individuals with BARD1-related conditions in the published literature. It also has not been reported in large, multi-ethnic general populations (Genome Aggregation Database). Analysis of this variant using bioinformatics tools for the prediction of the effect of amino acid changes on protein structure and function yielded conflicting predictions that this variant is benign or damaging. Based on the available information, we are unable to determine the clinical significance of this variant.

Ambry Genetics
Classification: Uncertain significance for Hereditary cancer-predisposing syndrome. Last evaluated: 2024-03-20. Review status: criteria provided, single submitter. Criteria: Ambry Variant Classification Scheme 2023. Collection method: clinical testing. Allele origin: germline.
Comment: The p.S241F variant (also known as c.722C>T), located in coding exon 4 of the BARD1 gene, results from a C to T substitution at nucleotide position 722. The serine at codon 241 is replaced by phenylalanine, an amino acid with highly dissimilar properties. This amino acid position is well conserved in available vertebrate species. In addition, the in silico prediction for this alteration is inconclusive. Based on the available evidence, the clinical significance of this alteration remains unclear.